The following is an entry in ClinVar:

ClinVar aggregate classification (germline): Pathogenic (1 of 4 stars; one submission).

Conditions:
Joubert syndrome 18 (JBTS18). Identifiers: Orphanet 2754, MedGen C3553758, MONDO:0013896, OMIM 614815.
Orofacial-digital syndrome IV (OFD4). Also called: BARAITSER-BURN SYNDROME; OFD SYNDROME WITH TIBIAL DEFECTS; OFD SYNDROME, BARAITSER-BURN TYPE; OFDS IV; ORAL-FACIAL-DIGITAL SYNDROME, TYPE IV; MOHR-MAJEWSKI SYNDROME. Identifiers: Orphanet 2753, MedGen C0406727, MONDO:0009794, OMIM 258860.

Submission:

Labcorp Genetics (formerly Invitae), Labcorp
Classification: Pathogenic for Joubert syndrome 18; Orofacial-digital syndrome IV. Last evaluated: 2025-08-20. Review status: criteria provided, single submitter. Criteria: Invitae Variant Classification Sherloc (09022015). Collection method: clinical testing. Allele origin: germline.
Comment: This sequence change creates a premature translational stop signal (p.Val341Serfs*8) in the TCTN3 gene. It is expected to result in an absent or disrupted protein product. Loss-of-function variants in TCTN3 are known to be pathogenic (PMID: 2692869, 22883145, 25118024). This variant is not present in population databases (gnomAD no frequency). This variant has not been reported in the literature in individuals affected with TCTN3-related conditions. For these reasons, this variant has been classified as Pathogenic.

Literature cited by the submitters: PubMed 2692869; PubMed 22883145; PubMed 25118024.

NM_015631.6(TCTN3):c.1020del (p.Val341fs)

Gene: TCTN3 (tectonic family member 3; minus strand). Cytogenetic location: 10q24.1.
Variant type: Deletion.
Coding change: c.1020del on transcript NM_015631.6 (MANE Select); coding-DNA position 1020, one base deleted (T; older notation c.1020delT).
Protein change: p.Val341fs; shifts the reading frame from valine 341.
Molecular consequence: frameshift variant. On other transcripts: intron variant (1).
Genome position (GRCh38, 1-based): chr10:95,684,574, A deleted on the plus strand (T on the coding strand, the reverse complement: TCTN3 is on the minus strand). VCF-style (leftmost placement, unchanged base first): chr10-95684573-CA-C. GRCh37 (hg19) VCF-style: chr10-97444330-CA-C.
Other names: c.939del, p.Val314fs (NM_001410982.1); c.652-945del (NM_001143973.2); short protein forms V341fs, V314fs.
Identifiers: ClinVar variation 4785927 (VCV004785927.1).